The following is an entry in ClinVar:

ClinVar aggregate classification (germline): Likely benign (0 of 4 stars; one submission).

Conditions:
MYCBP2-related disorder. Also called: MYCBP2-related condition.

gnomAD v4.1: 63 of 1,403,260 alleles (0.0045%); highest among the groups gnomAD compares: East Asian, 0.11%; no homozygotes.

Submission:

PreventionGenetics, part of Exact Sciences
Classification: Likely benign for MYCBP2-related condition. Last evaluated: 2019-08-07. Review status: no assertion criteria provided. Collection method: clinical testing. Allele origin: germline.
Comment: This variant is classified as likely benign based on ACMG/AMP sequence variant interpretation guidelines (Richards et al. 2015 PMID: 25741868, with internal and published modifications).

NM_015057.5(MYCBP2):c.2940-7A>T

Gene: MYCBP2 (MYC binding protein 2; minus strand). Cytogenetic location: 13q22.3.
Variant type: single nucleotide variant.
Coding change: c.2940-7A>T on transcript NM_015057.5 (MANE Select); 7 bases into the intron before coding-DNA position 2940, A replaced by T.
Molecular consequence: intron variant.
Genome position (GRCh38, 1-based): chr13:77,217,964, T>A on the plus strand (A>T on the coding strand, the complement: MYCBP2 is on the minus strand). VCF-style: chr13-77217964-T-A. GRCh37 (hg19) VCF-style: chr13-77792099-T-A.
Identifiers: ClinVar variation 3057061 (VCV003057061.2), dbSNP rs79698158, ClinGen allele CA7010082.